The following is an entry in ClinVar:

NM_004974.4(KCNA2):c.245G>A (p.Arg82His)

Gene: KCNA2 (potassium voltage-gated channel subfamily A member 2; minus strand). Cytogenetic location: 1p13.3.
Variant type: single nucleotide variant.
Coding change: c.245G>A on transcript NM_004974.4 (MANE Select); coding-DNA position 245, G replaced by A.
Protein change: p.Arg82His; replaces arginine 82 with histidine.
Molecular consequence: missense variant.
Genome position (GRCh38, 1-based): chr1:110,604,538, C>T on the plus strand (G>A on the coding strand, the complement: KCNA2 is on the minus strand). VCF-style: chr1-110604538-C-T. GRCh37 (hg19) VCF-style: chr1-111147160-C-T.
Other names: c.245G>A, p.Arg82His (NM_001204269.2); short protein forms R82H.
Identifiers: ClinVar variation 1347035 (VCV001347035.6), dbSNP rs1386301058, ClinGen allele CA341606246.

ClinVar aggregate classification (germline): Uncertain significance (1 of 4 stars; one submission).

Conditions:
Developmental and epileptic encephalopathy, 32 (DEE32). Also called: Epileptic encephalopathy, early infantile, 32. Identifiers: Orphanet 442835, MedGen C4225350, MONDO:0014607, OMIM 616366.

Allele frequency attached by ClinVar (database versions not stated): gnomAD exomes below 0.00001 and 0.00001.

Submission:

Labcorp Genetics (formerly Invitae), Labcorp
Classification: Uncertain significance for Developmental and epileptic encephalopathy, 32. Last evaluated: 2024-08-11. Review status: criteria provided, single submitter. Criteria: Invitae Variant Classification Sherloc (09022015). Collection method: clinical testing. Allele origin: germline.
Comment: This sequence change replaces arginine, which is basic and polar, with histidine, which is basic and polar, at codon 82 of the KCNA2 protein (p.Arg82His). This variant is present in population databases (no rsID available, gnomAD 0.003%). This variant has not been reported in the literature in individuals affected with KCNA2-related conditions. This missense change has been observed in at least one individual who was not affected with KCNA2-related conditions (Invitae). ClinVar contains an entry for this variant (Variation ID: 1347035). Advanced modeling of protein sequence and biophysical properties (such as structural, functional, and spatial information, amino acid conservation, physicochemical variation, residue mobility, and thermodynamic stability) performed at Invitae indicates that this missense variant is expected to disrupt KCNA2 protein function with a positive predictive value of 80%. In summary, the available evidence is currently insufficient to determine the role of this variant in disease. Therefore, it has been classified as a Variant of Uncertain Significance.